The following is an entry in ClinVar:

NM_016239.4(MYO15A):c.3788A>T (p.Asn1263Ile)

Gene: MYO15A (myosin XVA; plus strand). Cytogenetic location: 17p11.2.
Variant type: single nucleotide variant.
Coding change: c.3788A>T on transcript NM_016239.4 (MANE Select); coding-DNA position 3788, A replaced by T.
Protein change: p.Asn1263Ile; replaces asparagine 1263 with isoleucine.
Molecular consequence: missense variant.
Genome position (GRCh38, 1-based): chr17:18,126,378, A>T. VCF-style: chr17-18126378-A-T. GRCh37 (hg19) VCF-style: chr17-18029692-A-T.
Other names: short protein forms N1263I.
Identifiers: ClinVar variation 3372012 (VCV003372012.3).
Genomic context (GRCh38, chr17:18,126,378, plus strand): 5'-CGACGCTGAGGCCACCGTCTGCCCAGCAGACATACATTGGGAGCATCCTGGTGTCGGTGA[A>T]CCCATACCAAATGTTTGGAATCTATGGGCCGGAGCAGGTGCAGCAGTACAACGGACGGGC-3'
Protein context (NP_057323.3, residues 1253-1273): TYIGSILVSV[Asn1263Ile]PYQMFGIYGP

ClinVar aggregate classification (germline): Uncertain significance. Review status: criteria provided, multiple submitters, no conflicts (2 of 4 stars). 2 submissions from 2 submitters: Uncertain significance (2). Last evaluated 2025-11-04.

Conditions:
Inborn genetic diseases. Identifiers: MedGen C0950123, MeSH D030342.

gnomAD v4.1: 12 of 1,613,812 alleles (0.00074%); highest among the groups gnomAD compares: Non-Finnish European, 0.001%; no homozygotes.

Submissions (2):

GeneDx
Classification: Uncertain significance. Last evaluated: 2025-11-04. Review status: criteria provided, single submitter. Criteria: GeneDx Variant Classification Process June 2021. Collection method: clinical testing. Allele origin: germline. Affected: yes.
Comment: Not observed at significant frequency in large population cohorts (gnomAD); In silico analysis supports that this missense variant has a deleterious effect on protein structure/function; Has not been previously published as pathogenic or benign to our knowledge

Ambry Genetics
Classification: Uncertain significance for Inborn genetic diseases. Last evaluated: 2024-09-01. Review status: criteria provided, single submitter. Criteria: Ambry Variant Classification Scheme 2023. Collection method: clinical testing. Allele origin: germline.